The following is an entry in ClinVar:

ClinVar aggregate classification (germline): Uncertain significance. Review status: criteria provided, multiple submitters, no conflicts (2 of 4 stars). 2 submissions from 2 submitters: Uncertain significance (2). Last evaluated 2025-04-11.

gnomAD v4.1: 2 of 1,614,034 alleles (0.00012%); highest among the groups gnomAD compares: African/African-American, 0.0013%; no homozygotes.

Submissions (2):

Women's Health and Genetics/Laboratory Corporation of America, LabCorp
Classification: Uncertain significance. Last evaluated: 2025-04-11. Review status: criteria provided, single submitter. Criteria: LabCorp Variant Classification Summary - May 2015. Collection method: clinical testing. Allele origin: germline.
Comment: Variant summary: NSD1 c.3050C>T (p.Thr1017Ile) results in a non-conservative amino acid change in the encoded protein sequence. Four of five in-silico tools predict a benign effect of the variant on protein function. The variant was absent in 250878 control chromosomes (gnomAD). The available data on variant occurrences in the general population are insufficient to allow any conclusion about variant significance. To our knowledge, no occurrence of c.3050C>T in individuals affected with Sotos Syndrome and no experimental evidence demonstrating its impact on protein function have been reported. No submitters have cited clinical-significance assessments for this variant to ClinVar. Based on the evidence outlined above, the variant was classified as uncertain significance.

Labcorp Genetics (formerly Invitae), Labcorp
Classification: Uncertain significance. Last evaluated: 2023-08-24. Review status: criteria provided, single submitter. Criteria: Invitae Variant Classification Sherloc (09022015). Collection method: clinical testing. Allele origin: germline.
Comment: In summary, the available evidence is currently insufficient to determine the role of this variant in disease. Therefore, it has been classified as a Variant of Uncertain Significance. This sequence change replaces threonine, which is neutral and polar, with isoleucine, which is neutral and non-polar, at codon 1017 of the NSD1 protein (p.Thr1017Ile). This variant is not present in population databases (gnomAD no frequency). This variant has not been reported in the literature in individuals affected with NSD1-related conditions. Advanced modeling of protein sequence and biophysical properties (such as structural, functional, and spatial information, amino acid conservation, physicochemical variation, residue mobility, and thermodynamic stability) performed at Invitae indicates that this missense variant is not expected to disrupt NSD1 protein function.

NM_022455.5(NSD1):c.3050C>T (p.Thr1017Ile)

Gene: NSD1 (nuclear receptor binding SET domain protein 1; plus strand). Cytogenetic location: 5q35.3.
Variant type: single nucleotide variant.
Coding change: c.3050C>T on transcript NM_022455.5 (MANE Select); coding-DNA position 3050, C replaced by T.
Protein change: p.Thr1017Ile; replaces threonine 1017 with isoleucine.
Molecular consequence: missense variant.
Genome position (GRCh38, 1-based): chr5:177,211,449, C>T. VCF-style: chr5-177211449-C-T. GRCh37 (hg19) VCF-style: chr5-176638450-C-T.
Other names: c.2177C>T, p.Thr726Ile (NM_001365684.2, NM_001409306.1, NM_001409307.1 and 3 more transcripts); c.3050C>T, p.Thr1017Ile (NM_001409301.1, NM_001409302.1, NM_001409303.1); c.2630C>T, p.Thr877Ile (NM_001409304.1); c.2297C>T, p.Thr766Ile (NM_001409305.1); short protein forms T1017I, T726I, T766I, T877I.
Identifiers: ClinVar variation 3623990 (VCV003623990.4).